The following is an entry in ClinVar:

NM_004646.4(NPHS1):c.1100G>A (p.Arg367His)

Gene: NPHS1 (NPHS1 adhesion molecule, nephrin; minus strand). Cytogenetic location: 19q13.12.
Variant type: single nucleotide variant.
Coding change: c.1100G>A on transcript NM_004646.4 (MANE Select); coding-DNA position 1100, G replaced by A.
Protein change: p.Arg367His; replaces arginine 367 with histidine.
Molecular consequence: missense variant.
Genome position (GRCh38, 1-based): chr19:35,848,707, C>T on the plus strand (G>A on the coding strand, the complement: NPHS1 is on the minus strand). VCF-style: chr19-35848707-C-T. GRCh37 (hg19) VCF-style: chr19-36339609-C-T.
Other names: short protein forms R367H.
Identifiers: ClinVar variation 56422 (VCV000056422.7), dbSNP rs200905486, ClinGen allele CA250089.

ClinVar aggregate classification (germline): Conflicting classifications of pathogenicity. Review status: criteria provided, conflicting classifications (1 of 4 stars). 4 submissions from 4 submitters: Uncertain significance (2); Likely benign (1). 1 of the submissions does not count toward it. Last evaluated 2024-04-02.

Conditions:
Finnish congenital nephrotic syndrome (NPHS1). Also called: NEPHROTIC SYNDROME, TYPE 1. Identifiers: Orphanet 839, MedGen C0403399, MONDO:0009732, OMIM 256300.

Allele frequency attached by ClinVar (database versions not stated): TOPMed below 0.00001; gnomAD 0.00001; gnomAD exomes 0.00001; ExAC 0.00002; 1000 Genomes Project 30x 0.00016; 1000 Genomes Project 0.00020.
gnomAD v4.1: 7 of 1,614,132 alleles (0.00043%); highest among the groups gnomAD compares: African/African-American, 0.0013%; no homozygotes.

Submissions (4):

Women's Health and Genetics/Laboratory Corporation of America, LabCorp
Classification: Uncertain significance. Last evaluated: 2024-04-02. Review status: criteria provided, single submitter. Criteria: LabCorp Variant Classification Summary - May 2015. Collection method: clinical testing. Allele origin: germline.
Comment: Variant summary: NPHS1 c.1100G>A (p.Arg367His) results in a non-conservative amino acid change located in the Immunoglobulin subtype domain (IPR003599) of the encoded protein sequence. Three of five in-silico tools predict a damaging effect of the variant on protein function. A different variant at the same codon, c.1099C>T (p.Arg367Cys) has been classified as Pathogenic supporting the functional relevance of this Arginine 367 residue to NPHS1 protein function. The variant allele was found at a frequency of 8e-06 in 251338 control chromosomes. The available data on variant occurrences in the general population are insufficient to allow any conclusion about variant significance. c.1100G>A has been reported in the literature as a non-informative genotype (without a second allele, zygosity or clinical/family history), in a mutational update of Congenital Nephrotic Syndrome Causing Sequence Variants in NPHS1 (example, Beltcheva_2001, cited in Yang_2016). These report(s) do not provide unequivocal conclusions about association of the variant with Nephrotic Syndrome, Type 1. To our knowledge, no experimental evidence demonstrating an impact on protein function has been reported. The following publications have been ascertained in the context of this evaluation (PMID: 11317351, 20507940, 27019444). ClinVar contains an entry for this variant (Variation ID: 56422). Based on the evidence outlined above, the variant was classified as uncertain significance.

Labcorp Genetics (formerly Invitae), Labcorp
Classification: Likely benign. Last evaluated: 2023-12-30. Review status: criteria provided, single submitter. Criteria: Invitae Variant Classification Sherloc (09022015). Collection method: clinical testing. Allele origin: germline.

Department of Pathology and Laboratory Medicine, Sinai Health System
Classification: Uncertain significance for Finnish congenital nephrotic syndrome. Last evaluated: 2023-01-12. Review status: criteria provided, single submitter. Criteria: ACMG Guidelines, 2015. Collection method: research. Allele origin: germline.

Juha Muilu Group; Institute for Molecular Medicine Finland (FIMM)
Classification: Likely pathogenic for Finnish congenital nephrotic syndrome. Review status: no assertion criteria provided. Collection method: not provided. Allele origin: unknown. Not counted in ClinVar's aggregate classification.
Comment: FinDis database variant: This variant was not found or characterized by our laboratory, data were collected from public sources: see reference
ClinVar note: Converted during submission from probable-pathogenic to Likely pathogenic.

Literature cited by the submitters: PubMed 20507940 (cited by Women's Health and Genetics/Laboratory Corporation of America, LabCorp); PubMed 27019444 (cited by Women's Health and Genetics/Laboratory Corporation of America, LabCorp); PubMed 11317351 (cited by Women's Health and Genetics/Laboratory Corporation of America, LabCorp).